The following is an entry in ClinVar:

NM_001369.3(DNAH5):c.7636A>T (p.Thr2546Ser)

Gene: DNAH5 (dynein axonemal heavy chain 5; minus strand). Cytogenetic location: 5p15.2.
Variant type: single nucleotide variant.
Coding change: c.7636A>T on transcript NM_001369.3 (MANE Select); coding-DNA position 7636, A replaced by T.
Protein change: p.Thr2546Ser; replaces threonine 2546 with serine.
Molecular consequence: missense variant.
Genome position (GRCh38, 1-based): chr5:13,809,160, T>A on the plus strand (A>T on the coding strand, the complement: DNAH5 is on the minus strand). VCF-style: chr5-13809160-T-A. GRCh37 (hg19) VCF-style: chr5-13809269-T-A.
Other names: c.7636A>T (NM_001369.2); short protein forms T2546S.
Identifiers: ClinVar variation 3362722 (VCV003362722.2).
Genomic context (GRCh38, chr5:13,809,160, plus strand): 5'-TTGGCACCAGAATAGAACCATACTCTGGGGTGGTATCAGACGGATACAGGTATTCCTGGG[T>A]ACGCGTGTTCCAGTGCGTCCATGTACCTAAGGTGAGCAGAGGACATTTCCATCTCCATAT-3'
Protein context (NP_001360.1, residues 2536-2556): DGTWTHWNTR[Thr2546Ser]QEYLYPSDTT

ClinVar aggregate classification (germline): Uncertain significance. Review status: criteria provided, multiple submitters, no conflicts (2 of 4 stars). 2 submissions from 2 submitters: Uncertain significance (2). Last evaluated 2025-10-06.

Conditions:
DNAH5-related disorder. Also called: DNAH5-related condition.
Primary ciliary dyskinesia 3. Identifiers: Orphanet 244, MedGen C1837618, MONDO:0012085, OMIM 608644.

gnomAD v4.1: 4 of 1,614,202 alleles (0.00025%); highest among the groups gnomAD compares: Middle Eastern, 0.033%; no homozygotes.

Submissions (2):

PreventionGenetics, part of Exact Sciences
Classification: Uncertain significance for DNAH5-related condition. Last evaluated: 2025-10-06. Review status: criteria provided, single submitter. Criteria: ACMG Guidelines, 2015. Collection method: clinical testing. Allele origin: germline.
Comment: The DNAH5 c.7636A>T variant is predicted to result in the amino acid substitution p.Thr2546Ser. To our knowledge, this variant has not been reported in the literature or in a large population database (gnomAD), indicating this variant is rare. At this time, the clinical significance of this variant is uncertain due to the absence of conclusive functional and genetic evidence.

Genomic Medicine Center of Excellence, King Faisal Specialist Hospital and Research Centre
Classification: Uncertain significance for Primary ciliary dyskinesia 3. Last evaluated: 2024-09-22. Review status: criteria provided, single submitter. Criteria: ACMG Guidelines, 2015. Collection method: clinical testing. Allele origin: germline.